The following is an entry in ClinVar:

ClinVar aggregate classification (germline): Uncertain significance (1 of 4 stars; one submission).

Conditions:
Dilated cardiomyopathy 1O (CMD1O). Also called: CARDIOMYOPATHY, DILATED, WITH VENTRICULAR TACHYCARDIA. Identifiers: Orphanet 154, MedGen C1837839, MONDO:0012062, OMIM 608569.

Submission:

Labcorp Genetics (formerly Invitae), Labcorp
Classification: Uncertain significance for Dilated cardiomyopathy 1O. Last evaluated: 2025-12-31. Review status: criteria provided, single submitter. Criteria: Invitae Variant Classification Sherloc (09022015). Collection method: clinical testing. Allele origin: germline.
Comment: This sequence change replaces asparagine, which is neutral and polar, with isoleucine, which is neutral and non-polar, at codon 763 of the ABCC9 protein (p.Asn763Ile). This variant is not present in population databases (gnomAD no frequency). This variant has not been reported in the literature in individuals affected with ABCC9-related conditions. Invitae Evidence Modeling of protein sequence and biophysical properties (such as structural, functional, and spatial information, amino acid conservation, physicochemical variation, residue mobility, and thermodynamic stability) has been performed for this missense variant. However, the output from this modeling did not meet the statistical confidence thresholds required to predict the impact of this variant on ABCC9 protein function. In summary, the available evidence is currently insufficient to determine the role of this variant in disease. Therefore, it has been classified as a Variant of Uncertain Significance.

NM_020297.4(ABCC9):c.2288A>T (p.Asn763Ile)

Gene: ABCC9 (ATP binding cassette subfamily C member 9; minus strand). Cytogenetic location: 12p12.1.
Variant type: single nucleotide variant.
Coding change: c.2288A>T on transcript NM_020297.4 (MANE Select); coding-DNA position 2288, A replaced by T.
Protein change: p.Asn763Ile; replaces asparagine 763 with isoleucine.
Molecular consequence: missense variant.
Genome position (GRCh38, 1-based): chr12:21,863,004, T>A on the plus strand (A>T on the coding strand, the complement: ABCC9 is on the minus strand). VCF-style: chr12-21863004-T-A. GRCh37 (hg19) VCF-style: chr12-22015938-T-A.
Other names: c.2288A>T, p.Asn763Ile (NM_001377273.1, NM_005691.4); c.1421A>T, p.Asn474Ile (NM_001377274.1); short protein forms N763I, N474I.
Identifiers: ClinVar variation 4745806 (VCV004745806.1).